The following is an entry in ClinVar:

ClinVar aggregate classification (germline): Likely benign (1 of 4 stars; one submission).

Submission:

CeGaT Center for Human Genetics Tuebingen
Classification: Likely benign. Last evaluated: 2022-07-01. Review status: criteria provided, single submitter. Criteria: CeGaT Center For Human Genetics Tuebingen Variant Classification Criteria Version 2. Collection method: clinical testing. Allele origin: germline. Affected: yes. Observed: 1 variant allele.
Comment: TTN: PM2:Supporting, BP4, BP7

NM_001267550.2(TTN):c.11312-4593T>C

Gene: TTN (titin; minus strand). Cytogenetic location: 2q31.2.
Variant type: single nucleotide variant.
Coding change: c.11312-4593T>C on transcript NM_001267550.2 (MANE Select); 4593 bases into the intron before coding-DNA position 11312, T replaced by C.
Molecular consequence: intron variant. On other transcripts: synonymous variant (1).
Genome position (GRCh38, 1-based): chr2:178,746,514, A>G on the plus strand (T>C on the coding strand, the complement: TTN is on the minus strand). VCF-style: chr2-178746514-A-G. GRCh37 (hg19) VCF-style: chr2-179611241-A-G.
Other names: c.15886T>C, p.Leu5296= (NM_133379.5); c.10223-4593T>C (NM_003319.4); c.10799-4593T>C (NM_133437.4); c.10598-4593T>C (NM_133432.3); c.10360+6610T>C (NM_133378.4); c.10361-4593T>C (NM_001256850.1).
Identifiers: ClinVar variation 1701403 (VCV001701403.31), dbSNP rs2154324262, ClinGen allele CA2580065219.